The following is an entry in ClinVar:

NM_024989.4(PGAP1):c.1897G>T (p.Glu633Ter)

Gene: PGAP1 (post-GPI attachment to proteins inositol deacylase 1; minus strand). Cytogenetic location: 2q33.1.
Variant type: single nucleotide variant.
Coding change: c.1897G>T on transcript NM_024989.4 (MANE Select); coding-DNA position 1897, G replaced by T.
Protein change: p.Glu633Ter; replaces glutamic acid 633 with a stop codon.
Molecular consequence: nonsense.
Genome position (GRCh38, 1-based): chr2:196,848,002, C>A on the plus strand (G>T on the coding strand, the complement: PGAP1 is on the minus strand). VCF-style: chr2-196848002-C-A. GRCh37 (hg19) VCF-style: chr2-197712726-C-A.
Other names: c.1375G>T, p.Glu459Ter (NM_001321099.2); c.730G>T, p.Glu244Ter (NM_001321100.2); short protein forms E244*, E459*, E633*.
Identifiers: ClinVar variation 4056708 (VCV004056708.1).

ClinVar aggregate classification (germline): Likely pathogenic (1 of 4 stars; one submission).

Conditions:
Intellectual disability, autosomal recessive 42 (NEDDSBA). Also called: Neurodevelopmental disorder with dysmorphic features, spasticity, and brain abnormalities; GLYCOSYLPHOSPHATIDYLINOSITOL BIOSYNTHESIS DEFECT 9. Identifiers: Orphanet 88616, MedGen C4014343, MONDO:0014348, OMIM 615802.

Submission:

Laboratorio de Genetica e Diagnostico Molecular, Hospital Israelita Albert Einstein
Classification: Likely pathogenic for Intellectual disability, autosomal recessive 42. Last evaluated: 2024-11-04. Review status: criteria provided, single submitter. Criteria: ACMG Guidelines, 2015. Collection method: clinical testing. Allele origin: germline. Affected: yes.
Comment: ACMG classification criteria: PVS1 very strong, PM2 supporting